The following is an entry in ClinVar:

ClinVar aggregate classification (germline): Uncertain significance. Review status: criteria provided, multiple submitters, no conflicts (2 of 4 stars). 3 submissions from 3 submitters: Uncertain significance (3). Last evaluated 2025-11-18.

Conditions:
Hereditary cancer-predisposing syndrome. Also called: Neoplastic Syndromes, Hereditary; Hereditary Cancer Syndrome; Hereditary neoplastic syndrome; Tumor predisposition. Identifiers: Orphanet 140162, MedGen C0027672, MeSH D009386, MONDO:0015356.
Tuberous sclerosis 2 (TSC2). Identifiers: Orphanet 805, MedGen C1860707, MONDO:0013199, OMIM 613254.

Submissions (3):

Labcorp Genetics (formerly Invitae), Labcorp
Classification: Uncertain significance for Tuberous sclerosis 2. Last evaluated: 2025-11-18. Review status: criteria provided, single submitter. Criteria: Invitae Variant Classification Sherloc (09022015). Collection method: clinical testing. Allele origin: germline.
Comment: This variant, c.464_466del, results in the deletion of 1 amino acid(s) of the TSC2 protein (p.Tyr155del), but otherwise preserves the integrity of the reading frame. This variant is not present in population databases (gnomAD no frequency). This variant has not been reported in the literature in individuals affected with TSC2-related conditions. ClinVar contains an entry for this variant (Variation ID: 848038). Experimental studies and prediction algorithms are not available or were not evaluated, and the functional significance of this variant is currently unknown. In summary, the available evidence is currently insufficient to determine the role of this variant in disease. Therefore, it has been classified as a Variant of Uncertain Significance.

GeneDx
Classification: Uncertain significance. Last evaluated: 2025-03-11. Review status: criteria provided, single submitter. Criteria: GeneDx Variant Classification Process June 2021. Collection method: clinical testing. Allele origin: germline. Affected: yes.
Comment: In-frame deletion of 1 amino acid(s) in a non-repeat region; Not observed at significant frequency in large population cohorts (gnomAD); In silico analysis supports a deleterious effect on protein structure/function; Has not been previously published as pathogenic or benign to our knowledge; This variant is associated with the following publications: (PMID: 18466115)

Ambry Genetics
Classification: Uncertain significance for Hereditary cancer-predisposing syndrome. Last evaluated: 2025-01-08. Review status: criteria provided, single submitter. Criteria: Ambry Variant Classification Scheme 2023. Collection method: clinical testing. Allele origin: germline.
Comment: The c.464_466delACT variant (also known as p.Y155del) is located in coding exon 4 of the TSC2 gene. This variant results from an in-frame ACT deletion at nucleotide positions 464 to 466. This results in the in-frame deletion of a tyrosine at codon 155. This amino acid position is highly conserved in available vertebrate species. In addition, this alteration is predicted to be deleterious by in silico analysis (Choi Y et al. PLoS ONE. 2012; 7(10):e46688). Since supporting evidence is limited at this time, the clinical significance of this alteration remains unclear.

NM_000548.5(TSC2):c.464_466del (p.Tyr155del)

Gene: TSC2 (TSC complex subunit 2; plus strand). Cytogenetic location: 16p13.3.
Variant type: Deletion.
Coding change: c.464_466del on transcript NM_000548.5 (MANE Select); coding-DNA positions 464 to 466, 3 bases deleted (ACT; older notation c.464_466delACT).
Protein change: p.Tyr155del; deletes tyrosine 155.
Molecular consequence: inframe deletion. On other transcripts: intron variant (1).
Genome position (GRCh38, 1-based): chr16:2,054,423-2,054,425, ACT deleted; deleting any 3 consecutive bases within chr16:2,054,421-2,054,425 gives the same sequence; the c. name uses the placement nearest the transcript's 3' end. VCF-style (leftmost placement, unchanged base first): chr16-2054420-CCTA-C. GRCh37 (hg19) VCF-style: chr16-2104421-CCTA-C.
Other names: c.464_466delACT (NM_000548.3); c.464_466del, p.Tyr155del (NM_001077183.3, NM_001114382.3, NM_001363528.2 and 3 more transcripts); c.353_355del, p.Tyr118del (NM_001318827.2); c.317_319del, p.Tyr106del (NM_001318829.2); c.497_499del, p.Tyr166del (NM_001318832.2); c.-1-1773_-1-1771del (NM_001318831.2); short protein forms Y118del, Y166del, Y106del, Y155del.
Identifiers: ClinVar variation 848038 (VCV000848038.14), dbSNP rs2085513777, ClinGen allele CA916081766.